The following is an entry in ClinVar:

NM_001286.5(CLCN6):c.1027A>T (p.Ile343Phe)

Gene: CLCN6 (chloride voltage-gated channel 6; plus strand). Cytogenetic location: 1p36.22.
Variant type: single nucleotide variant.
Coding change: c.1027A>T on transcript NM_001286.5 (MANE Select); coding-DNA position 1027, A replaced by T.
Protein change: p.Ile343Phe; replaces isoleucine 343 with phenylalanine.
Molecular consequence: missense variant. On other transcripts: non-coding transcript variant (1).
Genome position (GRCh38, 1-based): chr1:11,828,530, A>T. VCF-style: chr1-11828530-A-T. GRCh37 (hg19) VCF-style: chr1-11888587-A-T.
Other names: c.961A>T, p.Ile321Phe (NM_001256959.2); short protein forms I321F, I343F.
Identifiers: ClinVar variation 1715222 (VCV001715222.5), dbSNP rs758742332, ClinGen allele CA596317.

ClinVar aggregate classification (germline): Uncertain significance (1 of 4 stars; one submission).

Allele frequency attached by ClinVar (database versions not stated): gnomAD exomes below 0.00001; ExAC 0.00001.
gnomAD v4.1: 2 of 1,614,062 alleles (0.00012%); highest among the groups gnomAD compares: East Asian, 0.0045%; no homozygotes.

Submission:

Labcorp Genetics (formerly Invitae), Labcorp
Classification: Uncertain significance. Last evaluated: 2022-07-15. Review status: criteria provided, single submitter. Criteria: Invitae Variant Classification Sherloc (09022015). Collection method: clinical testing. Allele origin: germline.
Comment: This sequence change replaces isoleucine, which is neutral and non-polar, with phenylalanine, which is neutral and non-polar, at codon 343 of the CLCN6 protein (p.Ile343Phe). This variant is present in population databases (rs758742332, gnomAD 0.006%). This variant has not been reported in the literature in individuals affected with CLCN6-related conditions. Algorithms developed to predict the effect of missense changes on protein structure and function (SIFT, PolyPhen-2, Align-GVGD) all suggest that this variant is likely to be tolerated. In summary, the available evidence is currently insufficient to determine the role of this variant in disease. Therefore, it has been classified as a Variant of Uncertain Significance.